The following is an entry in ClinVar:

NM_001048174.2(MUTYH):c.274G>C (p.Glu92Gln)

Gene: MUTYH (mutY DNA glycosylase; minus strand). Cytogenetic location: 1p34.1.
Variant type: single nucleotide variant.
Coding change: c.274G>C on transcript NM_001048174.2 (MANE Select); coding-DNA position 274, G replaced by C.
Protein change: p.Glu92Gln; replaces glutamic acid 92 with glutamine.
Molecular consequence: missense variant. On other transcripts: 5 prime UTR variant (3), initiator codon variant (3), non-coding transcript variant (7).
Genome position (GRCh38, 1-based): chr1:45,333,315, C>G on the plus strand (G>C on the coding strand, the complement: MUTYH is on the minus strand). VCF-style: chr1-45333315-C-G. GRCh37 (hg19) VCF-style: chr1-45798987-C-G.
Other names: c.274G>C, p.Glu92Gln (NM_001293195.2, NM_001407070.1, NM_001407072.1 and 6 more transcripts); c.-3G>C (NM_001293196.2, NM_001293192.2, NM_001407091.1); c.3G>C, p.Met1Ile (NM_001350650.2, NM_001350651.2, NM_001407082.1); c.349G>C, p.Glu117Gln (NM_001407069.1, NM_012222.3); c.277G>C, p.Glu93Gln (NM_001407071.1, NM_001048172.2, NM_001407078.1 and 2 more transcripts); c.316G>C, p.Glu106Gln (NM_001407073.1, NM_001407083.1, NM_001407085.1); c.190G>C, p.Glu64Gln (NM_001407075.1); c.358G>C, p.Glu120Gln (NM_001128425.2); and 3 more; short protein forms E117Q, E99Q, M1I, E92Q, E93Q, E103Q, E107Q, E120Q.
Identifiers: ClinVar variation 4113623 (VCV004113623.1).
Genomic context (GRCh38, chr1:45,333,315, plus strand): 5'-AGTGGCCCTGCTCTCAGGAGATGTACTGACCAGCATATGCCCGCCTGTCCAGGTCCATCT[C>G]ATCTTCTGCCTGTCAATGCAACCCCAGATGAGGAGTTAGGGTGGAGGGGGCTGGGTGCCT-3'
Protein context (NP_001041639.1, residues 82-102): DLPWRRRAED[Glu92Gln]MDLDRRAYAV

ClinVar aggregate classification (germline): Uncertain significance (1 of 4 stars; one submission).

Conditions:
Hereditary cancer-predisposing syndrome. Also called: Hereditary neoplastic syndrome; Neoplastic Syndromes, Hereditary; Tumor predisposition; Hereditary Cancer Syndrome. Identifiers: Orphanet 140162, MedGen C0027672, MeSH D009386, MONDO:0015356.

Submission:

Ambry Genetics
Classification: Uncertain significance for Hereditary cancer-predisposing syndrome. Last evaluated: 2025-08-27. Review status: criteria provided, single submitter. Criteria: Ambry Variant Classification Scheme 2023. Collection method: clinical testing. Allele origin: germline.
Comment: The p.E120Q variant (also known as c.358G>C), located in coding exon 4 of the MUTYH gene, results from a G to C substitution at nucleotide position 358. The glutamic acid at codon 120 is replaced by glutamine, an amino acid with highly similar properties. This amino acid position is conserved. In addition, this alteration is predicted to be tolerated by in silico analysis. Based on the available evidence, the clinical significance of this variant remains unclear.